The following is an entry in ClinVar:

ClinVar aggregate classification (germline): Uncertain significance. Review status: criteria provided, multiple submitters, no conflicts (2 of 4 stars). 3 submissions from 3 submitters: Uncertain significance (3). Last evaluated 2025-12-17.

Conditions:
PCARE-related disorder. Also called: PCARE-related condition.

Allele frequency attached by ClinVar (database versions not stated): gnomAD 0.00002; gnomAD exomes 0.00002 and 0.00005; TOPMed 0.00003; ExAC 0.00004; ESP Exome Variant Server 0.00008.

Submissions (3):

PreventionGenetics, part of Exact Sciences
Classification: Uncertain significance for PCARE-related condition. Last evaluated: 2025-12-17. Review status: criteria provided, single submitter. Criteria: ACMG Guidelines, 2015. Collection method: clinical testing. Allele origin: germline.
Comment: The PCARE c.3808G>A variant is predicted to result in the amino acid substitution p.Gly1270Ser. To our knowledge, this variant was not previously reported in the literature in association with an established PCARE-related disease. However, this variant was reported in at least one individual with autism (supplementary data, Zhou et al. 2022. PubMed ID: 35982159). This variant is reported in 0.0067% of alleles in individuals of South Asian descent in gnomAD. At this time, the clinical significance of this variant is uncertain due to the absence of conclusive functional and genetic evidence.

Blueprint Genetics
Classification: Uncertain significance. Last evaluated: 2024-06-17. Review status: criteria provided, single submitter. Criteria: ACMG Guidelines, 2015. Collection method: clinical testing. Allele origin: germline.

Labcorp Genetics (formerly Invitae), Labcorp
Classification: Uncertain significance. Last evaluated: 2023-10-03. Review status: criteria provided, single submitter. Criteria: Invitae Variant Classification Sherloc (09022015). Collection method: clinical testing. Allele origin: germline.
Comment: This sequence change replaces glycine, which is neutral and non-polar, with serine, which is neutral and polar, at codon 1270 of the PCARE protein (p.Gly1270Ser). This variant is present in population databases (rs373543146, gnomAD 0.007%). This variant has not been reported in the literature in individuals affected with PCARE-related conditions. ClinVar contains an entry for this variant (Variation ID: 942465). Algorithms developed to predict the effect of missense changes on protein structure and function output the following: SIFT: "Not Available"; PolyPhen-2: "Benign"; Align-GVGD: "Not Available". The serine amino acid residue is found in multiple mammalian species, which suggests that this missense change does not adversely affect protein function. In summary, the available evidence is currently insufficient to determine the role of this variant in disease. Therefore, it has been classified as a Variant of Uncertain Significance.

NM_001029883.3(PCARE):c.3808G>A (p.Gly1270Ser)

Gene: PCARE (photoreceptor cilium actin regulator; minus strand). Cytogenetic location: 2p23.2.
Variant type: single nucleotide variant.
Coding change: c.3808G>A on transcript NM_001029883.3 (MANE Select); coding-DNA position 3808, G replaced by A.
Protein change: p.Gly1270Ser; replaces glycine 1270 with serine.
Molecular consequence: missense variant.
Genome position (GRCh38, 1-based): chr2:29,064,928, C>T on the plus strand (G>A on the coding strand, the complement: PCARE is on the minus strand). VCF-style: chr2-29064928-C-T. GRCh37 (hg19) VCF-style: chr2-29287794-C-T.
Other names: short protein forms G1270S.
Identifiers: ClinVar variation 942465 (VCV000942465.8), dbSNP rs373543146, ClinGen allele CA1591823.